The following is an entry in ClinVar:

ClinVar aggregate classification (germline): Uncertain significance. Review status: criteria provided, multiple submitters, no conflicts (2 of 4 stars). 2 submissions from 2 submitters: Uncertain significance (2). Last evaluated 2025-09-21.

Conditions:
Inborn genetic diseases. Identifiers: MedGen C0950123, MeSH D030342.
EPILEPSY, CHILDHOOD ABSENCE, SUSCEPTIBILITY TO, 2 (ECA2). Identifiers: Orphanet 64280, MedGen C1843244, OMIM 607681.
Febrile seizures, familial, 8 (FEB8). Also called: CONVULSIONS, FAMILIAL FEBRILE, 8. Identifiers: Orphanet 36387, MedGen C1969810, MONDO:0011891, OMIM 607681.

Allele frequency attached by ClinVar (database versions not stated): gnomAD exomes below 0.00001; TOPMed below 0.00001; gnomAD 0.00001.
gnomAD v4.1: 4 of 1,613,816 alleles (0.00025%); highest among the groups gnomAD compares: East Asian, 0.0022%; no homozygotes.

Submissions (2):

Ambry Genetics
Classification: Uncertain significance for Inborn genetic diseases. Last evaluated: 2025-09-21. Review status: criteria provided, single submitter. Criteria: Ambry Variant Classification Scheme 2023. Collection method: clinical testing. Allele origin: germline.

Labcorp Genetics (formerly Invitae), Labcorp
Classification: Uncertain significance for Febrile seizures, familial, 8; EPILEPSY, CHILDHOOD ABSENCE, SUSCEPTIBILITY TO, 2. Last evaluated: 2024-08-14. Review status: criteria provided, single submitter. Criteria: Invitae Variant Classification Sherloc (09022015). Collection method: clinical testing. Allele origin: germline.
Comment: This sequence change replaces lysine, which is basic and polar, with glutamic acid, which is acidic and polar, at codon 371 of the GABRG2 protein (p.Lys371Glu). This variant is present in population databases (no rsID available, gnomAD 0.006%). This variant has not been reported in the literature in individuals affected with GABRG2-related conditions. ClinVar contains an entry for this variant (Variation ID: 1501824). Invitae Evidence Modeling of protein sequence and biophysical properties (such as structural, functional, and spatial information, amino acid conservation, physicochemical variation, residue mobility, and thermodynamic stability) has been performed for this missense variant. However, the output from this modeling did not meet the statistical confidence thresholds required to predict the impact of this variant on GABRG2 protein function. In summary, the available evidence is currently insufficient to determine the role of this variant in disease. Therefore, it has been classified as a Variant of Uncertain Significance.

NM_198904.4(GABRG2):c.1111A>G (p.Lys371Glu)

Gene: GABRG2 (gamma-aminobutyric acid type A receptor subunit gamma2; plus strand). Cytogenetic location: 5q34.
Variant type: single nucleotide variant.
Coding change: c.1111A>G on transcript NM_198904.4 (MANE Select); coding-DNA position 1111, A replaced by G.
Protein change: p.Lys371Glu; replaces lysine 371 with glutamic acid.
Molecular consequence: missense variant. On other transcripts: intron variant (1).
Genome position (GRCh38, 1-based): chr5:162,149,296, A>G. VCF-style: chr5-162149296-A-G. GRCh37 (hg19) VCF-style: chr5-161576302-A-G.
Other names: c.1111A>G, p.Lys371Glu (NM_000816.3); c.1102A>G, p.Lys368Glu (NM_001375339.1); c.1108A>G, p.Lys370Glu (NM_001375341.1, NM_001375342.1); c.1231A>G, p.Lys411Glu (NM_001375343.1, NM_198903.2); c.1150A>G, p.Lys384Glu (NM_001375344.1); c.1045A>G, p.Lys349Glu (NM_001375345.1, NM_001375346.1); c.1024A>G, p.Lys342Glu (NM_001375347.1); c.691A>G, p.Lys231Glu (NM_001375348.1, NM_001375350.1); and 2 more; short protein forms K231E, K370E, K371E, K276E, K368E, K342E, K349E, K384E.
Identifiers: ClinVar variation 1501824 (VCV001501824.11), dbSNP rs1164039510, ClinGen allele CA362182706.